The following is an entry in ClinVar:

NC_000004.11:g.(?_108816710)_(108955513_?)dup

Genes: CYP2U1 (cytochrome P450 family 2 subfamily U member 1; plus strand), HADH (hydroxyacyl-CoA dehydrogenase; plus strand), SGMS2 (sphingomyelin synthase 2; plus strand). Cytogenetic location: 4q25.
Variant type: Duplication.
Identifiers: ClinVar variation 2425336 (VCV002425336.3).

ClinVar aggregate classification (germline): Uncertain significance (1 of 4 stars; one submission).

Conditions:
Deficiency of 3-hydroxyacyl-CoA dehydrogenase. Also called: 3-hydroxyacyl-CoA dehydrogenase deficiency; HADH DEFICIENCY. Identifiers: Orphanet 309127, Orphanet 71212, MedGen C1291230, MONDO:0017715, OMIM 231530.

Submission:

Labcorp Genetics (formerly Invitae), Labcorp
Classification: Uncertain significance for Deficiency of 3-hydroxyacyl-CoA dehydrogenase. Last evaluated: 2021-12-15. Review status: criteria provided, single submitter. Criteria: Invitae Variant Classification Sherloc (09022015). Collection method: clinical testing. Allele origin: germline.
Comment: A copy number gain of the genomic region encompassing the full coding sequence of the HADH gene has been identified. The boundaries of this event are unknown as they extend beyond the assayed region for this gene and therefore may encompass additional genes. As the precise location of this event is unknown, it may be in tandem or it may be located elsewhere in the genome. This variant has not been reported in the literature in individuals affected with HADH-related conditions. In summary, the available evidence is currently insufficient to determine the role of this variant in disease. Therefore, it has been classified as a Variant of Uncertain Significance.